The following is an entry in ClinVar:

NM_001384140.1(PCDH15):c.5045A>G (p.Asn1682Ser)

Gene: PCDH15 (protocadherin related 15; minus strand). Cytogenetic location: 10q21.1.
Variant type: single nucleotide variant.
Coding change: c.5045A>G on transcript NM_001384140.1 (MANE Select); coding-DNA position 5045, A replaced by G.
Protein change: p.Asn1682Ser; replaces asparagine 1682 with serine.
Molecular consequence: missense variant.
Genome position (GRCh38, 1-based): chr10:53,806,757, T>C on the plus strand (A>G on the coding strand, the complement: PCDH15 is on the minus strand). VCF-style: chr10-53806757-T-C. GRCh37 (hg19) VCF-style: chr10-55566517-T-C.
Other names: c.4871A>G, p.Asn1624Ser (NM_001142771.2); c.4856A>G, p.Asn1619Ser (NM_001142772.2); c.4850A>G, p.Asn1617Ser (NM_001354420.2); c.4979A>G, p.Asn1660Ser (NM_001354429.2); short protein forms N1660S, N1619S, N1624S, N1617S, N1682S.
Identifiers: ClinVar variation 931470 (VCV000931470.3), dbSNP rs777886341, ClinGen allele CA5504534.

ClinVar aggregate classification (germline): Uncertain significance (1 of 4 stars; one submission).

Conditions:
Usher syndrome type 1D (USH1D). Also called: USHER SYNDROME, TYPE ID. Identifiers: Orphanet 231169, Orphanet 886, MedGen C1832845, MONDO:0010984, OMIM 601067.

Allele frequency attached by ClinVar (database versions not stated): TOPMed below 0.00001; ExAC 0.00001; gnomAD 0.00001; gnomAD exomes 0.00001.
gnomAD v4.1: 12 of 1,613,722 alleles (0.00074%); highest among the groups gnomAD compares: Middle Eastern, 0.033%; no homozygotes.

Submission:

Centre for Mendelian Genomics, University Medical Centre Ljubljana
Classification: Uncertain significance for Usher syndrome type 1D. Last evaluated: 2016-01-01. Review status: criteria provided, single submitter. Criteria: ACMG Guidelines, 2015. Collection method: clinical testing. Allele origin: unknown. Affected: yes.
Comment: This variant was classified as: Uncertain significance. The following ACMG criteria were applied in classifying this variant: PM2,BP4.